The following is an entry in ClinVar:

NM_000179.3(MSH6):c.2262_2270del (p.Glu755_Thr757del)

Gene: MSH6 (mutS homolog 6; plus strand). Cytogenetic location: 2p16.3.
Variant type: Deletion.
Coding change: c.2262_2270del on transcript NM_000179.3 (MANE Select); coding-DNA positions 2262 to 2270, 9 bases deleted (TGAAGGAAC; older notation c.2262_2270delTGAAGGAAC).
Protein change: p.Glu755_Thr757del.
Molecular consequence: inframe deletion. On other transcripts: inframe indel (34).
Genome position (GRCh38, 1-based): chr2:47,800,245-47,800,253, TGAAGGAAC deleted; deleting any 9 consecutive bases within chr2:47,800,243-47,800,253 gives the same sequence; the c. name uses the placement nearest the transcript's 3' end. VCF-style (leftmost placement, unchanged base first): chr2-47800242-TACTGAAGGA-T. GRCh37 (hg19) VCF-style: chr2-48027381-TACTGAAGGA-T.
Other names: c.1872_1880del, p.Glu625_Thr627del (NM_001281492.2); c.1356_1364del, p.Glu453_Thr455del (NM_001281493.2, NM_001281494.2); c.2358_2366delTGAAGGAAC, p.Glu787_Thr789del (NM_001406795.1, NM_001406802.1); c.2262_2270delTGAAGGAAC, p.Glu755_Thr757del (NM_001406796.1, NM_001406798.1, NM_001406800.1 and 3 more transcripts); c.1965_1973delTGAAGGAAC, p.Glu656_Thr658del (NM_001406797.1, NM_001406801.1, NM_001406805.1 and 10 more transcripts); c.1737_1745delTGAAGGAAC, p.Glu580_Thr582del (NM_001406799.1, NM_001406806.1, NM_001406807.1); c.2184_2192delTGAAGGAAC, p.Glu729_Thr731del (NM_001406804.1); c.1356_1364delTGAAGGAAC, p.Glu453_Thr455del (NM_001406811.1, NM_001406812.1, NM_001406814.1 and 4 more transcripts); and 2 more.
Identifiers: ClinVar variation 2111024 (VCV002111024.4), dbSNP rs2530661081, ClinGen allele CA2573049027.

ClinVar aggregate classification (germline): Uncertain significance (1 of 4 stars; one submission).

Conditions:
Hereditary nonpolyposis colorectal neoplasms. Identifiers: MedGen C0009405, MeSH D003123.

Submission:

Labcorp Genetics (formerly Invitae), Labcorp
Classification: Uncertain significance for Hereditary nonpolyposis colorectal neoplasms. Last evaluated: 2022-03-13. Review status: criteria provided, single submitter. Criteria: Invitae Variant Classification Sherloc (09022015). Collection method: clinical testing. Allele origin: germline.
Comment: Experimental studies and prediction algorithms are not available or were not evaluated, and the functional significance of this variant is currently unknown. This variant has not been reported in the literature in individuals affected with MSH6-related conditions. This variant is not present in population databases (gnomAD no frequency). This variant, c.2262_2270del, results in the deletion of 3 amino acid(s) of the MSH6 protein (p.Glu755_Thr757del), but otherwise preserves the integrity of the reading frame. In summary, the available evidence is currently insufficient to determine the role of this variant in disease. Therefore, it has been classified as a Variant of Uncertain Significance.